The following is an entry in ClinVar:

ClinVar aggregate classification (germline): Uncertain significance (1 of 4 stars; one submission).

Conditions:
Hereditary cancer-predisposing syndrome. Also called: Hereditary neoplastic syndrome; Neoplastic Syndromes, Hereditary; Tumor predisposition; Hereditary Cancer Syndrome. Identifiers: Orphanet 140162, MedGen C0027672, MeSH D009386, MONDO:0015356.

Submission:

Ambry Genetics
Classification: Uncertain significance for Hereditary cancer-predisposing syndrome. Last evaluated: 2025-08-27. Review status: criteria provided, single submitter. Criteria: Ambry Variant Classification Scheme 2023. Collection method: clinical testing. Allele origin: germline.
Comment: The p.L211V variant (also known as c.631C>G), located in coding exon 8 of the MUTYH gene, results from a C to G substitution at nucleotide position 631. The leucine at codon 211 is replaced by valine, an amino acid with highly similar properties. This amino acid position is conserved. In addition, this alteration is predicted to be tolerated by in silico analysis. Based on the available evidence, the clinical significance of this variant remains unclear.

NM_001048174.2(MUTYH):c.547C>G (p.Leu183Val)

Gene: MUTYH (mutY DNA glycosylase; minus strand). Cytogenetic location: 1p34.1.
Variant type: single nucleotide variant.
Coding change: c.547C>G on transcript NM_001048174.2 (MANE Select); coding-DNA position 547, C replaced by G.
Protein change: p.Leu183Val; replaces leucine 183 with valine.
Molecular consequence: missense variant. On other transcripts: non-coding transcript variant (7).
Genome position (GRCh38, 1-based): chr1:45,332,633, G>C on the plus strand (C>G on the coding strand, the complement: MUTYH is on the minus strand). VCF-style: chr1-45332633-G-C. GRCh37 (hg19) VCF-style: chr1-45798305-G-C.
Other names: c.547C>G, p.Leu183Val (NM_001048173.2, NM_001293195.2, NM_001407081.1 and 6 more transcripts); c.631C>G, p.Leu211Val (NM_001128425.2); c.592C>G, p.Leu198Val (NM_001293190.2); c.580C>G, p.Leu194Val (NM_001293191.2, NM_001407069.1, NM_001407077.1); c.271C>G, p.Leu91Val (NM_001293192.2, NM_001293196.2, NM_001407091.1); c.202C>G, p.Leu68Val (NM_001350650.2, NM_001407082.1, NM_001350651.2); c.508C>G, p.Leu170Val (NM_001407079.1); c.505C>G, p.Leu169Val (NM_001407080.1); and 5 more; short protein forms L155V, L170V, L183V, L194V, L197V, L184V, L190V, L198V.
Identifiers: ClinVar variation 4113780 (VCV004113780.1).